The following is an entry in ClinVar:

ClinVar aggregate classification (germline): Likely pathogenic (1 of 4 stars; one submission).

Allele frequency attached by ClinVar (database versions not stated): gnomAD exomes below 0.00001.
gnomAD v4.1: 1 of 1,613,168 alleles (0.000062%); highest among the groups gnomAD compares: Non-Finnish European, 0.000085%; no homozygotes.

Submission:

Labcorp Genetics (formerly Invitae), Labcorp
Classification: Likely pathogenic. Last evaluated: 2023-08-11. Review status: criteria provided, single submitter. Criteria: Invitae Variant Classification Sherloc (09022015). Collection method: clinical testing. Allele origin: germline.
Comment: Algorithms developed to predict the effect of sequence changes on RNA splicing suggest that this variant may disrupt the consensus splice site. This sequence change affects a donor splice site in intron 11 of the TMPRSS3 gene. It is expected to disrupt RNA splicing. Variants that disrupt the donor or acceptor splice site typically lead to a loss of protein function (PMID: 16199547), and loss-of-function variants in TMPRSS3 are known to be pathogenic (PMID: 16021470, 26969326). This variant is not present in population databases (gnomAD no frequency). This variant has not been reported in the literature in individuals affected with TMPRSS3-related conditions. In summary, the currently available evidence indicates that the variant is pathogenic, but additional data are needed to prove that conclusively. Therefore, this variant has been classified as Likely Pathogenic.

Literature cited by the submitters: PubMed 16199547; PubMed 16021470; PubMed 26969326.

NM_001256317.3(TMPRSS3):c.1191+1G>A

Gene: TMPRSS3 (transmembrane serine protease 3; minus strand). Cytogenetic location: 21q22.3.
Variant type: single nucleotide variant.
Coding change: c.1191+1G>A on transcript NM_001256317.3 (MANE Select); the canonical splice donor site of the intron after coding-DNA position 1191, G replaced by A.
Molecular consequence: splice donor variant.
Genome position (GRCh38, 1-based): chr21:42,376,540, C>T on the plus strand (G>A on the coding strand, the complement: TMPRSS3 is on the minus strand). VCF-style: chr21-42376540-C-T. GRCh37 (hg19) VCF-style: chr21-43796649-C-T.
Other names: c.1194+1G>A (NM_024022.4); c.813+1G>A (NM_032404.3).
Identifiers: ClinVar variation 2791323 (VCV002791323.3), dbSNP rs2517098842, ClinGen allele CA410369064.